The following is an entry in ClinVar:

NM_004946.3(DOCK2):c.236A>G (p.Asn79Ser)

Gene: DOCK2 (dedicator of cytokinesis 2; plus strand). Cytogenetic location: 5q35.1.
Variant type: single nucleotide variant.
Coding change: c.236A>G on transcript NM_004946.3 (MANE Select); coding-DNA position 236, A replaced by G.
Protein change: p.Asn79Ser; replaces asparagine 79 with serine.
Molecular consequence: missense variant. On other transcripts: non-coding transcript variant (1).
Genome position (GRCh38, 1-based): chr5:169,671,089, A>G. VCF-style: chr5-169671089-A-G. GRCh37 (hg19) VCF-style: chr5-169098093-A-G.
Other names: short protein forms N79S.
Identifiers: ClinVar variation 849634 (VCV000849634.7), dbSNP rs980502492, ClinGen allele CA131998867.

ClinVar aggregate classification (germline): Uncertain significance (1 of 4 stars; one submission).

Conditions:
DOCK2 deficiency. Also called: Immunodeficiency 40. Identifiers: Orphanet 447737, MedGen C4225328, MONDO:0014637, OMIM 616433.

Allele frequency attached by ClinVar (database versions not stated): gnomAD exomes 0.00001; TOPMed 0.00002; gnomAD 0.00003 and 0.00004.
gnomAD v4.1: 16 of 1,613,864 alleles (0.00099%); highest among the groups gnomAD compares: Middle Eastern, 0.033%; no homozygotes.

Submission:

Labcorp Genetics (formerly Invitae), Labcorp
Classification: Uncertain significance for DOCK2 deficiency. Last evaluated: 2022-08-16. Review status: criteria provided, single submitter. Criteria: Invitae Variant Classification Sherloc (09022015). Collection method: clinical testing. Allele origin: germline.
Comment: This sequence change replaces asparagine, which is neutral and polar, with serine, which is neutral and polar, at codon 79 of the DOCK2 protein (p.Asn79Ser). This variant is present in population databases (no rsID available, gnomAD 0.002%). This variant has not been reported in the literature in individuals affected with DOCK2-related conditions. ClinVar contains an entry for this variant (Variation ID: 849634). Algorithms developed to predict the effect of missense changes on protein structure and function (SIFT, PolyPhen-2, Align-GVGD) all suggest that this variant is likely to be tolerated. In summary, the available evidence is currently insufficient to determine the role of this variant in disease. Therefore, it has been classified as a Variant of Uncertain Significance.